The following is an entry in ClinVar:

NM_000485.3(APRT):c.*178A>C

Gene: APRT (adenine phosphoribosyltransferase; minus strand). Cytogenetic location: 16q24.3.
Variant type: single nucleotide variant.
Coding change: c.*178A>C on transcript NM_000485.3 (MANE Select); 178 bases downstream of the stop codon, A replaced by C.
Molecular consequence: 3 prime UTR variant.
Genome position (GRCh38, 1-based): chr16:88,809,520, T>G on the plus strand (A>C on the coding strand, the complement: APRT is on the minus strand). VCF-style: chr16-88809520-T-G. GRCh37 (hg19) VCF-style: chr16-88875928-T-G.
Other names: c.*182A>C (NM_001030018.2).
Identifiers: ClinVar variation 321157 (VCV000321157.5), dbSNP rs4695, ClinGen allele CA8234308.

ClinVar aggregate classification (germline): Likely benign (1 of 4 stars; one submission).

Conditions:
Adenine phosphoribosyltransferase deficiency (APRTD). Also called: APRT DEFICIENCY; NEPHROLITHIASIS, DHA; Urolithiasis, dha; 2,8-dihydroxyadenine urolithiasis. Identifiers: Orphanet 976, MedGen C0268120, MONDO:0013869, OMIM 614723.

Allele frequency attached by ClinVar (database versions not stated): 1000 Genomes Project 30x 0.00562; 1000 Genomes Project 0.00579.
gnomAD v4.1: 1,420 of 996,758 alleles (0.14%); highest among the groups gnomAD compares: African/African-American, 2%; 13 homozygotes.

Submission:

Illumina Laboratory Services, Illumina
Classification: Likely benign for Adenine phosphoribosyltransferase deficiency. Last evaluated: 2018-01-12. Review status: criteria provided, single submitter. Criteria: ICSL Variant Classification Criteria 13 December 2019. Collection method: clinical testing. Allele origin: germline.
Comment: This variant was observed in the ICSL laboratory as part of a predisposition screen in an ostensibly healthy population. It had not been previously curated by ICSL or reported in the Human Gene Mutation Database (HGMD: prior to June 1st, 2018), and was therefore a candidate for classification through an automated scoring system. Utilizing variant allele frequency, disease prevalence and penetrance estimates, and inheritance mode, an automated score was calculated to assess if this variant is too frequent to cause the disease. Based on the score and internal cut-off values, a variant classified as likely benign is not then subjected to further curation. The score for this variant resulted in a classification of likely benign for this disease.